The following is an entry in ClinVar:

ClinVar aggregate classification (germline): Uncertain significance (1 of 4 stars; one submission).

Conditions:
GM3 synthase deficiency (SPDRS). Also called: SALT AND PEPPER DEVELOPMENTAL REGRESSION SYNDROME; AMISH INFANTILE EPILEPSY SYNDROME; SALT AND PEPPER MENTAL RETARDATION SYNDROME. Identifiers: Orphanet 171714, Orphanet 370933, MedGen C1836824, MONDO:0018274, OMIM 609056.

Allele frequency attached by ClinVar (database versions not stated): gnomAD exomes below 0.00001.

Submission:

Labcorp Genetics (formerly Invitae), Labcorp
Classification: Uncertain significance for GM3 synthase deficiency. Last evaluated: 2023-08-10. Review status: criteria provided, single submitter. Criteria: Invitae Variant Classification Sherloc (09022015). Collection method: clinical testing. Allele origin: germline.
Comment: This variant, c.369_371del, is a complex sequence change that results in the deletion of 2 and insertion of 1 amino acid(s) in the ST3GAL5 protein (p.Lys123_Phe124delinsAsn). This variant is not present in population databases (gnomAD no frequency). This variant has not been reported in the literature in individuals affected with ST3GAL5-related conditions. ClinVar contains an entry for this variant (Variation ID: 1068899). Experimental studies and prediction algorithms are not available or were not evaluated, and the functional significance of this variant is currently unknown. In summary, the available evidence is currently insufficient to determine the role of this variant in disease. Therefore, it has been classified as a Variant of Uncertain Significance.

NM_003896.4(ST3GAL5):c.369_371del (p.Lys123_Phe124delinsAsn)

Gene: ST3GAL5 (ST3 beta-galactoside alpha-2,3-sialyltransferase 5; minus strand). Cytogenetic location: 2p11.2.
Variant type: Deletion.
Coding change: c.369_371del on transcript NM_003896.4 (MANE Select); coding-DNA positions 369 to 371, 3 bases deleted (GTT; older notation c.369_371delGTT).
Protein change: p.Lys123_Phe124delinsAsn.
Molecular consequence: inframe indel. On other transcripts: 5 prime UTR variant (7).
Genome position (GRCh38, 1-based): chr2:85,848,152-85,848,154, AAC deleted on the plus strand (GTT on the coding strand, the reverse complement: ST3GAL5 is on the minus strand). VCF-style (leftmost placement, unchanged base first): chr2-85848151-AAAC-A. GRCh37 (hg19) VCF-style: chr2-86075274-AAAC-A.
Other names: c.-16_-14del (NM_001354248.1, NM_001354223.2, NM_001354224.2 and 3 more transcripts); c.369_371del, p.Lys123_Phe124delinsAsn (NM_001363847.1); c.300_302del, p.Lys100_Phe101delinsAsn (NM_001042437.2); c.285_287del, p.Lys95_Phe96delinsAsn (NM_001354227.2, NM_001354229.2, NM_001354238.1); c.-536_-534del (NM_001354247.1).
Identifiers: ClinVar variation 1068899 (VCV001068899.9), dbSNP rs2103960667, ClinGen allele CA2499216281.